The following is an entry in ClinVar:

NM_004820.5(CYP7B1):c.771G>T (p.Met257Ile)

Gene: CYP7B1 (cytochrome P450 family 7 subfamily B member 1; minus strand). Cytogenetic location: 8q12.3.
Variant type: single nucleotide variant.
Coding change: c.771G>T on transcript NM_004820.5 (MANE Select); coding-DNA position 771, G replaced by T.
Protein change: p.Met257Ile; replaces methionine 257 with isoleucine.
Molecular consequence: missense variant.
Genome position (GRCh38, 1-based): chr8:64,615,770, C>A on the plus strand (G>T on the coding strand, the complement: CYP7B1 is on the minus strand). VCF-style: chr8-64615770-C-A. GRCh37 (hg19) VCF-style: chr8-65528327-C-A.
Other names: c.771G>T, p.Met257Ile (NM_001324112.2); short protein forms M257I.
Identifiers: ClinVar variation 1963181 (VCV001963181.5), dbSNP rs745673560, ClinGen allele CA4764153.

ClinVar aggregate classification (germline): Uncertain significance (1 of 4 stars; one submission).

Conditions:
Spastic paraplegia. Identifiers: MedGen C0037772, HP:0001258.

Allele frequency attached by ClinVar (database versions not stated): gnomAD exomes below 0.00001; ExAC 0.00001.
gnomAD v4.1: 2 of 1,613,784 alleles (0.00012%); highest among the groups gnomAD compares: Non-Finnish European, 0.00017%; no homozygotes.

Submission:

Labcorp Genetics (formerly Invitae), Labcorp
Classification: Uncertain significance for Spastic paraplegia. Last evaluated: 2022-06-27. Review status: criteria provided, single submitter. Criteria: Invitae Variant Classification Sherloc (09022015). Collection method: clinical testing. Allele origin: germline.
Comment: In summary, the available evidence is currently insufficient to determine the role of this variant in disease. Therefore, it has been classified as a Variant of Uncertain Significance. Algorithms developed to predict the effect of missense changes on protein structure and function output the following: SIFT: "Tolerated"; PolyPhen-2: "Benign"; Align-GVGD: "Class C0". The isoleucine amino acid residue is found in multiple mammalian species, which suggests that this missense change does not adversely affect protein function. This variant has not been reported in the literature in individuals affected with CYP7B1-related conditions. This variant is present in population databases (rs745673560, gnomAD 0.0009%). This sequence change replaces methionine, which is neutral and non-polar, with isoleucine, which is neutral and non-polar, at codon 257 of the CYP7B1 protein (p.Met257Ile).